The following is an entry in ClinVar:

ClinVar aggregate classification (germline): Uncertain significance (1 of 4 stars; one submission).

Conditions:
Malignant hyperthermia, susceptibility to, 5 (MHS5). Also called: CACNA1S-Related Malignant Hyperthermia Susceptibility. Identifiers: Orphanet 423, MedGen C1866077, MONDO:0011163, OMIM 601887.

Submission:

All of Us Research Program, National Institutes of Health
Classification: Uncertain significance for Malignant hyperthermia, susceptibility to, 5. Last evaluated: 2024-07-29. Review status: criteria provided, single submitter. Criteria: ACMG Guidelines, 2015. Collection method: clinical testing. Allele origin: germline. Inheritance: Autosomal dominant inheritance. Observed: 1 variant allele, 1 heterozygote.
Comment: This missense variant replaces aspartic acid with glutamic acid at codon 598 of the CACNA1S protein. Computational prediction suggests that this variant may have deleterious impact on protein structure and function (internally defined REVEL score threshold >= 0.7, PMID: 27666373). To our knowledge, functional studies have not been reported for this variant. This variant has not been reported in individuals affected with CACNA1S-related disorders in the literature. This variant has not been identified in the general population by the Genome Aggregation Database (gnomAD). The available evidence is insufficient to determine the role of this variant in disease conclusively. Therefore, this variant is classified as a Variant of Uncertain Significance.

This study involves interpretation of variants in research participants for the purpose of population health screening. Participant phenotype was not available at the time of variant classification. Additional details can be found in publication PMID: 35346344, PMCID: PMC8962531

NM_000069.3(CACNA1S):c.1794C>A (p.Asp598Glu)

Gene: CACNA1S (calcium voltage-gated channel subunit alpha1 S; minus strand). Cytogenetic location: 1q32.1.
Variant type: single nucleotide variant.
Coding change: c.1794C>A on transcript NM_000069.3 (MANE Select); coding-DNA position 1794, C replaced by A.
Protein change: p.Asp598Glu; replaces aspartic acid 598 with glutamic acid.
Molecular consequence: missense variant.
Genome position (GRCh38, 1-based): chr1:201,076,953, G>T on the plus strand (C>A on the coding strand, the complement: CACNA1S is on the minus strand). VCF-style: chr1-201076953-G-T. GRCh37 (hg19) VCF-style: chr1-201046081-G-T.
Other names: short protein forms D598E.
Identifiers: ClinVar variation 3386372 (VCV003386372.1).